The following is an entry in ClinVar:

NM_001127173.3(CADM3):c.720C>A (p.Asp240Glu)

Genes: CADM3 (cell adhesion molecule 3; plus strand), CADM3-AS1 (CADM3 antisense RNA 1; minus strand). Cytogenetic location: 1q23.2.
Variant type: single nucleotide variant.
Coding change: c.720C>A on transcript NM_001127173.3 (MANE Select); coding-DNA position 720, C replaced by A.
Protein change: p.Asp240Glu; replaces aspartic acid 240 with glutamic acid.
Molecular consequence: missense variant. On other transcripts: non-coding transcript variant (1).
Genome position (GRCh38, 1-based): chr1:159,196,392, C>A. VCF-style: chr1-159196392-C-A. GRCh37 (hg19) VCF-style: chr1-159166182-C-A.
Other names: c.582C>A, p.Asp194Glu (NM_001346510.2); c.822C>A, p.Asp274Glu (NM_021189.5); short protein forms D194E, D240E, D274E.
Identifiers: ClinVar variation 2376355 (VCV002376355.3), dbSNP rs138200155, ClinGen allele CA1187437.

ClinVar aggregate classification (germline): Conflicting classifications of pathogenicity. Review status: criteria provided, conflicting classifications (1 of 4 stars). 2 submissions from 2 submitters: Uncertain significance (1); Likely benign (1). Last evaluated 2024-12-23.

Conditions:
Inborn genetic diseases. Identifiers: MedGen C0950123, MeSH D030342.

Allele frequency attached by ClinVar (database versions not stated): ExAC 0.00027; ESP Exome Variant Server 0.00031; gnomAD 0.00031; TOPMed 0.00034.
gnomAD v4.1: 910 of 1,614,002 alleles (0.056%); highest among the groups gnomAD compares: Non-Finnish European, 0.073%; 1 homozygote.

Submissions (2):

Women's Health and Genetics/Laboratory Corporation of America, LabCorp
Classification: Likely benign. Last evaluated: 2024-12-23. Review status: criteria provided, single submitter. Criteria: LabCorp Variant Classification Summary - May 2015. Collection method: clinical testing. Allele origin: germline.
Comment: Variant summary: CADM3 c.582C>A (p.Asp194Glu) results in a conservative amino acid change in the encoded protein sequence. Four of four in-silico tools predict a benign effect of the variant on protein function. The variant allele was found at a frequency of 0.00031 in 251402 control chromosomes. This frequency is exceeds the estimated maximum pathogenic allele frequency for a pathogenic variant in CADM3 causing Charcot-Marie-Tooth disease, axonal, type 2FF (0.000001) assuming a prevalence of <1:1000000 for this subtype of CMT disease (Orphanet, GeneReviews, HGMD). To our knowledge, no occurrence of c.582C>A in individuals affected with Charcot-Marie-Tooth disease, axonal, type 2FF and no experimental evidence demonstrating its impact on protein function have been reported. ClinVar contains an entry for this variant (Variation ID: 2376355). Based on the evidence outlined above, the variant was classified as likely benign.

Ambry Genetics
Classification: Uncertain significance for Inborn genetic diseases. Last evaluated: 2022-06-27. Review status: criteria provided, single submitter. Criteria: Ambry Variant Classification Scheme 2023. Collection method: clinical testing. Allele origin: germline.